The following is an entry in ClinVar:

NM_198253.3(TERT):c.1081G>C (p.Val361Leu)

Gene: TERT (telomerase reverse transcriptase; minus strand). Cytogenetic location: 5p15.33.
Variant type: single nucleotide variant.
Coding change: c.1081G>C on transcript NM_198253.3 (MANE Select); coding-DNA position 1081, G replaced by C.
Protein change: p.Val361Leu; replaces valine 361 with leucine.
Molecular consequence: missense variant. On other transcripts: non-coding transcript variant (2).
Genome position (GRCh38, 1-based): chr5:1,293,805, C>G on the plus strand (G>C on the coding strand, the complement: TERT is on the minus strand). VCF-style: chr5-1293805-C-G. GRCh37 (hg19) VCF-style: chr5-1293920-C-G.
Other names: c.1081G>C, p.Val361Leu (NM_001193376.3); short protein forms V361L.
Identifiers: ClinVar variation 851942 (VCV000851942.48), dbSNP rs1751165031, ClinGen allele CA359055673.

ClinVar aggregate classification (germline): Uncertain significance (1 of 4 stars; one submission).

Conditions:
Dyskeratosis congenita, autosomal dominant 2. Identifiers: MedGen C3151443, MONDO:0013521, OMIM 613989.
Idiopathic Pulmonary Fibrosis. Also called: Idiopathic fibrosing alveolitis, chronic form; idiopathic fibrosing alveolitis. Identifiers: Orphanet 2032, MedGen C1800706, MeSH D054990, MONDO:0800504.

Submission:

Labcorp Genetics (formerly Invitae), Labcorp
Classification: Uncertain significance for Dyskeratosis congenita, autosomal dominant 2; Idiopathic Pulmonary Fibrosis. Last evaluated: 2019-12-26. Review status: criteria provided, single submitter. Criteria: Invitae Variant Classification Sherloc (09022015). Collection method: clinical testing. Allele origin: germline.
Comment: In summary, the available evidence is currently insufficient to determine the role of this variant in disease. Therefore, it has been classified as a Variant of Uncertain Significance. Algorithms developed to predict the effect of missense changes on protein structure and function output the following: SIFT: "Tolerated"; PolyPhen-2: "Benign"; Align-GVGD: "Class C0". The leucine amino acid residue is found in multiple mammalian species, suggesting that this missense change does not adversely affect protein function. These predictions have not been confirmed by published functional studies and their clinical significance is uncertain. This variant has not been reported in the literature in individuals with TERT-related conditions. This variant is not present in population databases (ExAC no frequency). This sequence change replaces valine with leucine at codon 361 of the TERT protein (p.Val361Leu). The valine residue is moderately conserved and there is a small physicochemical difference between valine and leucine.